The following is an entry in ClinVar:

NM_000038.6(APC):c.6339T>C (p.Ser2113=)

Gene: APC (APC regulator of Wnt signaling pathway; plus strand). Cytogenetic location: 5q22.2.
Variant type: single nucleotide variant.
Coding change: c.6339T>C on transcript NM_000038.6 (MANE Select); coding-DNA position 6339, T replaced by C.
Protein change: p.Ser2113=; no amino-acid change (serine 2113 retained).
Molecular consequence: synonymous variant. On other transcripts: non-coding transcript variant (2).
Genome position (GRCh38, 1-based): chr5:112,841,933, T>C. VCF-style: chr5-112841933-T-C. GRCh37 (hg19) VCF-style: chr5-112177630-T-C.
Other names: c.6339T>C, p.Ser2113= (NM_001127510.3, NM_001354895.2, NM_001407450.1); c.6285T>C, p.Ser2095= (NM_001127511.3); c.6393T>C, p.Ser2131= (NM_001354896.2, NM_001407447.1, NM_001407448.1 and 1 more transcripts); c.6369T>C, p.Ser2123= (NM_001354897.2); c.6264T>C, p.Ser2088= (NM_001354898.2); c.6255T>C, p.Ser2085= (NM_001354899.2); c.6216T>C, p.Ser2072= (NM_001354900.2); c.6162T>C, p.Ser2054= (NM_001354901.2, NM_001407453.1); and 11 more.
Identifiers: ClinVar variation 3253748 (VCV003253748.1), dbSNP rs2149962644.

ClinVar aggregate classification (germline): Benign (1 of 4 stars; one submission).

Conditions:
Familial adenomatous polyposis 1 (FAP1). Also called: POLYPOSIS, ADENOMATOUS INTESTINAL; FAMILIAL ADENOMATOUS POLYPOSIS 1, ATTENUATED. Identifiers: MedGen C2713442, MONDO:0021056, OMIM 175100. Disease mechanism: loss of function.

Submission:

Myriad Genetics, Inc.
Classification: Benign for Familial adenomatous polyposis 1. Last evaluated: 2024-04-04. Review status: criteria provided, single submitter. Criteria: Myriad Autosomal Dominant, Autosomal Recessive and X-Linked Classification Criteria (2023). Collection method: clinical testing. Allele origin: unknown.
Comment: This variant is considered benign. This variant is a silent/synonymous amino acid change and it is not expected to impact splicing.